The following is an entry in ClinVar:

NM_001080397.3(SLC45A1):c.1147G>A (p.Gly383Ser)

Gene: SLC45A1 (solute carrier family 45 member 1; plus strand). Cytogenetic location: 1p36.23.
Variant type: single nucleotide variant.
Coding change: c.1147G>A on transcript NM_001080397.3 (MANE Select); coding-DNA position 1147, G replaced by A.
Protein change: p.Gly383Ser; replaces glycine 383 with serine.
Molecular consequence: missense variant.
Genome position (GRCh38, 1-based): chr1:8,330,640, G>A. VCF-style: chr1-8330640-G-A. GRCh37 (hg19) VCF-style: chr1-8390700-G-A.
Other names: c.1147G>A, p.Gly383Ser (NM_001379614.1); c.1054G>A, p.Gly352Ser (NM_001379615.1, NM_001379616.1); c.541G>A, p.Gly181Ser (NM_001379617.1, NM_001379618.1); c.1249G>A (NM_001080397.2); short protein forms G352S, G383S, G181S.
Identifiers: ClinVar variation 2309990 (VCV002309990.3), dbSNP rs2522574440, ClinGen allele CA338164218.

ClinVar aggregate classification (germline): Uncertain significance. Review status: criteria provided, multiple submitters, no conflicts (2 of 4 stars). 2 submissions from 2 submitters: Uncertain significance (2). Last evaluated 2025-04-11.

Allele frequency attached by ClinVar (database versions not stated): gnomAD exomes below 0.00001.

Submissions (2):

GeneDx
Classification: Uncertain significance. Last evaluated: 2025-04-11. Review status: criteria provided, single submitter. Criteria: GeneDx Variant Classification Process June 2021. Collection method: clinical testing. Allele origin: germline. Affected: yes.
Comment: Not observed at significant frequency in large population cohorts (gnomAD); In silico analysis indicates that this missense variant does not alter protein structure/function; Has not been previously published as pathogenic or benign to our knowledge

Ambry Genetics
Classification: Uncertain significance. Last evaluated: 2022-08-31. Review status: criteria provided, single submitter. Criteria: Ambry Variant Classification Scheme 2023. Collection method: clinical testing. Allele origin: germline.